The following is an entry in ClinVar:

ClinVar aggregate classification (germline): Uncertain significance (1 of 4 stars; one submission).

Allele frequency attached by ClinVar (database versions not stated): TOPMed below 0.00001; gnomAD 0.00001; gnomAD exomes 0.00003.
gnomAD v4.1: 42 of 1,614,100 alleles (0.0026%); highest among the groups gnomAD compares: Middle Eastern, 0.016%; no homozygotes.

Submission:

GeneDx
Classification: Uncertain significance. Last evaluated: 2022-09-09. Review status: criteria provided, single submitter. Criteria: GeneDx Variant Classification Process June 2021. Collection method: clinical testing. Allele origin: germline. Affected: yes.
Comment: In silico analysis supports that this missense variant has a deleterious effect on protein structure/function; Has not been previously published as pathogenic or benign to our knowledge

NM_007118.4(TRIO):c.5035C>T (p.Arg1679Trp)

Gene: TRIO (trio Rho guanine nucleotide exchange factor; plus strand). Cytogenetic location: 5p15.2.
Variant type: single nucleotide variant.
Coding change: c.5035C>T on transcript NM_007118.4 (MANE Select); coding-DNA position 5035, C replaced by T.
Protein change: p.Arg1679Trp; replaces arginine 1679 with tryptophan.
Molecular consequence: missense variant. On other transcripts: non-coding transcript variant (1).
Genome position (GRCh38, 1-based): chr5:14,419,853, C>T. VCF-style: chr5-14419853-C-T. GRCh37 (hg19) VCF-style: chr5-14419962-C-T.
Other names: short protein forms R1679W.
Identifiers: ClinVar variation 2443487 (VCV002443487.1), dbSNP rs1281217104, ClinGen allele CA359206452.